The following is an entry in ClinVar:

NM_001100913.3(PACS2):c.1613G>A (p.Arg538Gln)

Gene: PACS2 (phosphofurin acidic cluster sorting protein 2; plus strand). Cytogenetic location: 14q32.33.
Variant type: single nucleotide variant.
Coding change: c.1613G>A on transcript NM_001100913.3 (MANE Select); coding-DNA position 1613, G replaced by A.
Protein change: p.Arg538Gln; replaces arginine 538 with glutamine.
Molecular consequence: missense variant.
Genome position (GRCh38, 1-based): chr14:105,382,901, G>A. VCF-style: chr14-105382901-G-A. GRCh37 (hg19) VCF-style: chr14-105849238-G-A.
Other names: c.1376G>A, p.Arg459Gln (NM_001243127.3); c.1601G>A, p.Arg534Gln (NM_015197.4); short protein forms R459Q, R538Q, R534Q.
Identifiers: ClinVar variation 2889570 (VCV002889570.3), dbSNP rs782114646, ClinGen allele CA7388881.
Genomic context (GRCh38, chr14:105,382,901, plus strand): 5'-CCGTGGTGTGCACGTGCTCTCCTGCGGACGTCCAGGCGGCCTTCAGCACCATCGTCTCAC[G>A]GATACAGAGATAGTGAGTTGGGCTCCACCCTGTACTCACCACCCAAGTACCCCTCGGGGT-3'
Protein context (NP_001094383.2, residues 528-548): VQAAFSTIVS[Arg538Gln]IQRYCNCNSQ

ClinVar aggregate classification (germline): Uncertain significance (1 of 4 stars; one submission).

Allele frequency attached by ClinVar (database versions not stated): gnomAD 0.00001; gnomAD exomes 0.00001; TOPMed 0.00002; ExAC 0.00003.
gnomAD v4.1: 13 of 1,595,906 alleles (0.00081%); highest among the groups gnomAD compares: Admixed American, 0.0067%; no homozygotes.

Submission:

Labcorp Genetics (formerly Invitae), Labcorp
Classification: Uncertain significance. Last evaluated: 2024-06-17. Review status: criteria provided, single submitter. Criteria: Invitae Variant Classification Sherloc (09022015). Collection method: clinical testing. Allele origin: germline.
Comment: This sequence change replaces arginine, which is basic and polar, with glutamine, which is neutral and polar, at codon 538 of the PACS2 protein (p.Arg538Gln). This variant is present in population databases (rs782114646, gnomAD 0.01%). This missense change has been observed in individual(s) with neurodevelopmental disorder (PMID: 35982159). Advanced modeling of protein sequence and biophysical properties (such as structural, functional, and spatial information, amino acid conservation, physicochemical variation, residue mobility, and thermodynamic stability) performed at Invitae indicates that this missense variant is not expected to disrupt PACS2 protein function with a negative predictive value of 80%. In summary, the available evidence is currently insufficient to determine the role of this variant in disease. Therefore, it has been classified as a Variant of Uncertain Significance.

Literature cited by the submitters: PubMed 35982159.